The following is an entry in ClinVar:

ClinVar aggregate classification (germline): Uncertain significance. Review status: criteria provided, single submitter (1 of 4 stars). 2 submissions from 2 submitters: Uncertain significance (1). 1 of the submissions does not count toward it. Last evaluated 2023-05-20.

Conditions:
Finnish congenital nephrotic syndrome (NPHS1). Also called: NEPHROTIC SYNDROME, TYPE 1. Identifiers: Orphanet 839, MedGen C0403399, MONDO:0009732, OMIM 256300.

Allele frequency attached by ClinVar (database versions not stated): gnomAD 0.00001; ExAC 0.00002; gnomAD exomes 0.00002; 1000 Genomes Project 30x 0.00016; 1000 Genomes Project 0.00020.
gnomAD v4.1: 8 of 1,614,152 alleles (0.0005%); highest among the groups gnomAD compares: South Asian, 0.0077%; no homozygotes.

Submissions (2):

Neuberg Centre For Genomic Medicine, NCGM
Classification: Uncertain significance for Finnish congenital nephrotic syndrome. Last evaluated: 2023-05-20. Review status: criteria provided, single submitter. Criteria: ACMG Guidelines, 2015. Collection method: clinical testing. Allele origin: germline. Inheritance: Autosomal recessive inheritance. Affected: yes.
Comment: The observed missense c.2438C>T (p.Ala813Val) variant in NPHS1 gene has not been reported previously as a pathogenic variant nor as a benign variant, to our knowledge. The (p.Ala813Val) variant is present with allele frequency of 0.002% in gnomAD Exomes. This variant has been submitted to the ClinVar database as Uncertain Significance. Multiple lines of computational evidence (Polyphen - Benign, SIFT - Tolerated and MutationTaster - Polymorphism) predict no damaging effect on protein structure and function for this variant. The amino acid change p.Ala813Val in NPHS1 is predicted as conserved by GERP++ and PhyloP across 100 vertebrates. The amino acid Ala at position 813 is changed to a Val changing protein sequence and it might alter its composition and physico-chemical properties. For these reasons, this variant has been classified as a Variant of Uncertain Significance (VUS).

Natera, Inc.
Classification: Uncertain significance for Finnish congenital nephrotic syndrome. Last evaluated: 2020-08-13. Review status: no assertion criteria provided. Collection method: clinical testing. Allele origin: germline. Not counted in ClinVar's aggregate classification.

NM_004646.4(NPHS1):c.2438C>T (p.Ala813Val)

Gene: NPHS1 (NPHS1 adhesion molecule, nephrin; minus strand). Cytogenetic location: 19q13.12.
Variant type: single nucleotide variant.
Coding change: c.2438C>T on transcript NM_004646.4 (MANE Select); coding-DNA position 2438, C replaced by T.
Protein change: p.Ala813Val; replaces alanine 813 with valine.
Molecular consequence: missense variant.
Genome position (GRCh38, 1-based): chr19:35,842,447, G>A on the plus strand (C>T on the coding strand, the complement: NPHS1 is on the minus strand). VCF-style: chr19-35842447-G-A. GRCh37 (hg19) VCF-style: chr19-36333349-G-A.
Other names: short protein forms A813V.
Identifiers: ClinVar variation 990522 (VCV000990522.2), dbSNP rs541575466, ClinGen allele CA9390133.